The following is an entry in ClinVar:

ClinVar aggregate classification (germline): Benign. Review status: criteria provided, multiple submitters, no conflicts (2 of 4 stars). 2 submissions from 2 submitters: Benign (2). Last evaluated 2018-01-13.

Conditions:
Farber lipogranulomatosis (FRBRL). Also called: Farber's lipogranulomatosis; Farber's disease; Farber disease; AC DEFICIENCY; ACID CERAMIDASE DEFICIENCY; CERAMIDASE DEFICIENCY. Identifiers: Orphanet 333, MedGen C0268255, MONDO:0009218, OMIM 228000.

Allele frequency attached by ClinVar (database versions not stated): gnomAD 0.05803 and 0.06442; TOPMed 0.06923; 1000 Genomes Project 30x 0.15037; 1000 Genomes Project 0.15555.

Submissions (2):

Illumina Laboratory Services, Illumina
Classification: Benign for Farber lipogranulomatosis. Last evaluated: 2018-01-13. Review status: criteria provided, single submitter. Criteria: ICSL Variant Classification Criteria 13 December 2019. Collection method: clinical testing. Allele origin: germline.
Comment: This variant was observed in the ICSL laboratory as part of a predisposition screen in an ostensibly healthy population. It had not been previously curated by ICSL or reported in the Human Gene Mutation Database (HGMD: prior to June 1st, 2018), and was therefore a candidate for classification through an automated scoring system. Utilizing variant allele frequency, disease prevalence and penetrance estimates, and inheritance mode, an automated score was calculated to assess if this variant is too frequent to cause the disease. Based on the score and internal cut-off values, a variant classified as benign is not then subjected to further curation. The score for this variant resulted in a classification of benign for this disease.

Breakthrough Genomics
Classification: Benign. Review status: criteria provided, single submitter. Criteria: ACMG Guidelines, 2015. Collection method: not provided. Allele origin: germline. Inheritance: Autosomal recessive inheritance. Affected: yes.

NM_177924.5(ASAH1):c.*1103C>T

Gene: ASAH1 (N-acylsphingosine amidohydrolase 1; minus strand). Cytogenetic location: 8p22.
Variant type: single nucleotide variant.
Coding change: c.*1103C>T on transcript NM_177924.5 (MANE Select); 1103 bases downstream of the stop codon, C replaced by T.
Molecular consequence: 3 prime UTR variant.
Genome position (GRCh38, 1-based): chr8:18,056,431, G>A on the plus strand (C>T on the coding strand, the complement: ASAH1 is on the minus strand). VCF-style: chr8-18056431-G-A. GRCh37 (hg19) VCF-style: chr8-17913940-G-A.
Other names: c.*1103C>T (NM_001127505.3, NM_001363743.2, NM_004315.6).
Identifiers: ClinVar variation 362349 (VCV000362349.6), dbSNP rs28393365, ClinGen allele CA10627365.